The following is an entry in ClinVar:

NM_000264.5(PTCH1):c.95G>T (p.Arg32Met)

Genes: PTCH1 (patched 1; minus strand), LOC130002133 (ATAC-STARR-seq lymphoblastoid silent region 20071; plus strand). Cytogenetic location: 9q22.32.
Variant type: single nucleotide variant.
Coding change: c.95G>T on transcript NM_000264.5 (MANE Select); coding-DNA position 95, G replaced by T.
Protein change: p.Arg32Met; replaces arginine 32 with methionine.
Molecular consequence: missense variant. On other transcripts: non-coding transcript variant (1), intron variant (3).
Genome position (GRCh38, 1-based): chr9:95,508,267, C>A on the plus strand (G>T on the coding strand, the complement: PTCH1 is on the minus strand). VCF-style: chr9-95508267-C-A. GRCh37 (hg19) VCF-style: chr9-98270549-C-A.
Other names: c.95G>T, p.Arg32Met (NM_001354918.2); c.199-1668G>T (NM_001083603.3); c.4-1668G>T (NM_001083602.3, NM_001354919.2); short protein forms R32M.
Identifiers: ClinVar variation 2564393 (VCV002564393.2), dbSNP rs746923835, ClinGen allele CA374121437.
Genomic context (GRCh38, chr9:95,508,267, plus strand): 5'-CGGTGCAGATAGTCCCGGTCCGGCGCGGCAGCACGGCGCAGCCCCCCCGTCCGTCTGCGC[C>A]TCCCGCCTCCAGCCGGCCGTCCCGGGGCACCGATACAGCCGCTGCCGCCGCCGCCGCGGT-3'
Protein context (NP_000255.2, residues 22-42): GAPGRPAGGG[Arg32Met]RRRTGGLRRA

ClinVar aggregate classification (germline): Uncertain significance (1 of 4 stars; one submission).

Conditions:
Hereditary cancer-predisposing syndrome. Also called: Neoplastic Syndromes, Hereditary; Hereditary Cancer Syndrome; Hereditary neoplastic syndrome; Tumor predisposition. Identifiers: Orphanet 140162, MedGen C0027672, MeSH D009386, MONDO:0015356.

Submission:

Ambry Genetics
Classification: Uncertain significance for Hereditary cancer-predisposing syndrome. Last evaluated: 2023-05-14. Review status: criteria provided, single submitter. Criteria: Ambry Variant Classification Scheme 2023. Collection method: clinical testing. Allele origin: germline.
Comment: The p.R32M variant (also known as c.95G>T), located in coding exon 1 of the PTCH1 gene, results from a G to T substitution at nucleotide position 95. The arginine at codon 32 is replaced by methionine, an amino acid with similar properties. This amino acid position is conserved. In addition, the in silico prediction for this alteration is inconclusive. Since supporting evidence is limited at this time, the clinical significance of this alteration remains unclear.